The following is an entry in ClinVar:

NM_024921.4(POF1B):c.84G>A (p.Gln28=)

Gene: POF1B (POF1B actin binding protein; minus strand). Cytogenetic location: Xq21.1.
Variant type: single nucleotide variant.
Coding change: c.84G>A on transcript NM_024921.4 (MANE Select); coding-DNA position 84, G replaced by A.
Protein change: p.Gln28=; no amino-acid change (glutamine 28 retained).
Molecular consequence: synonymous variant.
Genome position (GRCh38, 1-based): chrX:85,379,371, C>T on the plus strand (G>A on the coding strand, the complement: POF1B is on the minus strand). VCF-style: chrX-85379371-C-T. GRCh37 (hg19) VCF-style: chrX-84634376-C-T.
Other names: c.84G>A, p.Gln28= (NM_001307940.2).
Identifiers: ClinVar variation 3052872 (VCV003052872.2), dbSNP rs200033855, ClinGen allele CA10465252.

ClinVar aggregate classification (germline): Likely benign (0 of 4 stars; one submission).

Conditions:
POF1B-related disorder. Also called: POF1B-related condition.

Allele frequency attached by ClinVar (database versions not stated): gnomAD 0.00016; gnomAD exomes 0.00017; TOPMed 0.00019; ExAC 0.00039; 1000 Genomes Project 30x 0.00062; 1000 Genomes Project 0.00079.
gnomAD v4.1: 200 of 1,207,588 alleles (0.017%); highest among the groups gnomAD compares: East Asian, 0.56%; no homozygotes.

Submission:

PreventionGenetics, part of Exact Sciences
Classification: Likely benign for POF1B-related condition. Last evaluated: 2019-08-29. Review status: no assertion criteria provided. Collection method: clinical testing. Allele origin: germline.
Comment: This variant is classified as likely benign based on ACMG/AMP sequence variant interpretation guidelines (Richards et al. 2015 PMID: 25741868, with internal and published modifications).